The following is an entry in ClinVar:

NM_003816.3(ADAM9):c.299A>T (p.Glu100Val)

Gene: ADAM9 (ADAM metallopeptidase domain 9; plus strand). Cytogenetic location: 8p11.22.
Variant type: single nucleotide variant.
Coding change: c.299A>T on transcript NM_003816.3 (MANE Select); coding-DNA position 299, A replaced by T.
Protein change: p.Glu100Val; replaces glutamic acid 100 with valine.
Molecular consequence: missense variant. On other transcripts: non-coding transcript variant (3).
Genome position (GRCh38, 1-based): chr8:39,014,009, A>T. VCF-style: chr8-39014009-A-T. GRCh37 (hg19) VCF-style: chr8-38871528-A-T.
Other names: short protein forms E100V.
Identifiers: ClinVar variation 498893 (VCV000498893.8), dbSNP rs1290408637, ClinGen allele CA370752395.
Genomic context (GRCh38, chr8:39,014,009, plus strand): 5'-TTTATTTCTCTTCCAGAGACCTTTTGCCTGAAGATTTTGTGGTTTATACTTACAACAAGG[A>T]AGGGACTTTAATCACTGACCATCCCAATATACAGGTAATGTATTTTTCTCTTGATCCCAT-3'
Protein context (NP_003807.1, residues 90-110): EDFVVYTYNK[Glu100Val]GTLITDHPNI

ClinVar aggregate classification (germline): Uncertain significance. Review status: criteria provided, multiple submitters, no conflicts (2 of 4 stars). 2 submissions from 2 submitters: Uncertain significance (2). Last evaluated 2025-10-27.

Allele frequency attached by ClinVar (database versions not stated): gnomAD 0.00004 and 0.00003; gnomAD exomes 0.00001; TOPMed 0.00001.
gnomAD v4.1: 22 of 1,613,588 alleles (0.0014%); highest among the groups gnomAD compares: Non-Finnish European, 0.0019%; no homozygotes.

Submissions (2):

Labcorp Genetics (formerly Invitae), Labcorp
Classification: Uncertain significance. Last evaluated: 2025-10-27. Review status: criteria provided, single submitter. Criteria: Invitae Variant Classification Sherloc (09022015). Collection method: clinical testing. Allele origin: germline.
Comment: This sequence change replaces glutamic acid, which is acidic and polar, with valine, which is neutral and non-polar, at codon 100 of the ADAM9 protein (p.Glu100Val). This variant is present in population databases (no rsID available, gnomAD 0.005%). This variant has not been reported in the literature in individuals affected with ADAM9-related conditions. ClinVar contains an entry for this variant (Variation ID: 498893). Invitae Evidence Modeling of protein sequence and biophysical properties (such as structural, functional, and spatial information, amino acid conservation, physicochemical variation, residue mobility, and thermodynamic stability) indicates that this missense variant is not expected to disrupt ADAM9 protein function with a negative predictive value of 80%. Algorithms developed to predict the effect of sequence changes on RNA splicing suggest that this variant may create or strengthen a splice site. In summary, the available evidence is currently insufficient to determine the role of this variant in disease. Therefore, it has been classified as a Variant of Uncertain Significance.

Eurofins Ntd Llc (ga)
Classification: Uncertain significance. Last evaluated: 2016-12-29. Review status: criteria provided, single submitter. Criteria: EGL Classification Definitions 2015. Collection method: clinical testing. Allele origin: germline. Observed: 1 variant allele, 1 heterozygote.